The following is an entry in ClinVar:

ClinVar aggregate classification (germline): Uncertain significance. Review status: criteria provided, multiple submitters, no conflicts (2 of 4 stars). 3 submissions from 3 submitters: Uncertain significance (3). Last evaluated 2025-12-24.

Conditions:
Erythrocytosis, familial, 3 (ECYT3). Identifiers: Orphanet 247511, MedGen C1853286, MONDO:0012353, OMIM 609820.

gnomAD v4.1: 2 of 1,519,238 alleles (0.00013%); highest among the groups gnomAD compares: Non-Finnish European, 0.00017%; no homozygotes.

Submissions (3):

Labcorp Genetics (formerly Invitae), Labcorp
Classification: Uncertain significance for Erythrocytosis, familial, 3. Last evaluated: 2025-12-24. Review status: criteria provided, single submitter. Criteria: Invitae Variant Classification Sherloc (09022015). Collection method: clinical testing. Allele origin: germline.
Comment: This sequence change replaces arginine, which is basic and polar, with glutamine, which is neutral and polar, at codon 18 of the EGLN1 protein (p.Arg18Gln). This variant is not present in population databases (gnomAD no frequency). This variant has not been reported in the literature in individuals affected with EGLN1-related conditions. ClinVar contains an entry for this variant (Variation ID: 296196). An algorithm developed to predict the effect of missense changes on protein structure and function (PolyPhen-2) suggests that this variant is likely to be tolerated. In summary, the available evidence is currently insufficient to determine the role of this variant in disease. Therefore, it has been classified as a Variant of Uncertain Significance.

Ambry Genetics
Classification: Uncertain significance. Last evaluated: 2025-11-15. Review status: criteria provided, single submitter. Criteria: Ambry Variant Classification Scheme 2023. Collection method: clinical testing. Allele origin: germline.
Comment: The p.R18Q variant (also known as c.53G>A), located in coding exon 1 of the EGLN1 gene, results from a G to A substitution at nucleotide position 53. The arginine at codon 18 is replaced by glutamine, an amino acid with highly similar properties. This amino acid position is conserved. In addition, this alteration is predicted to be tolerated by in silico analysis. Since supporting evidence is limited at this time, the clinical significance of this alteration remains unclear.

Illumina Laboratory Services, Illumina
Classification: Uncertain significance for Erythrocytosis, familial, 3. Last evaluated: 2018-01-13. Review status: criteria provided, single submitter. Criteria: ICSL Variant Classification Criteria 13 December 2019. Collection method: clinical testing. Allele origin: germline.

NM_022051.3(EGLN1):c.53G>A (p.Arg18Gln)

Gene: EGLN1 (egl-9 family hypoxia inducible factor 1; minus strand). Cytogenetic location: 1q42.2.
Variant type: single nucleotide variant.
Coding change: c.53G>A on transcript NM_022051.3 (MANE Select); coding-DNA position 53, G replaced by A.
Protein change: p.Arg18Gln; replaces arginine 18 with glutamine.
Molecular consequence: missense variant.
Genome position (GRCh38, 1-based): chr1:231,421,836, C>T on the plus strand (G>A on the coding strand, the complement: EGLN1 is on the minus strand). VCF-style: chr1-231421836-C-T. GRCh37 (hg19) VCF-style: chr1-231557582-C-T.
Other names: c.53G>A, p.Arg18Gln (NM_001377260.1, NM_001377261.1); short protein forms R18Q.
Identifiers: ClinVar variation 296196 (VCV000296196.12), dbSNP rs886046112, ClinGen allele CA10609333.